The following is an entry in ClinVar:

NM_002471.4(MYH6):c.2581A>C (p.Ile861Leu)

Gene: MYH6 (myosin heavy chain 6; minus strand). Cytogenetic location: 14q11.2.
Variant type: single nucleotide variant.
Coding change: c.2581A>C on transcript NM_002471.4 (MANE Select); coding-DNA position 2581, A replaced by C.
Protein change: p.Ile861Leu; replaces isoleucine 861 with leucine.
Molecular consequence: missense variant.
Genome position (GRCh38, 1-based): chr14:23,394,172, T>G on the plus strand (A>C on the coding strand, the complement: MYH6 is on the minus strand). VCF-style: chr14-23394172-T-G. GRCh37 (hg19) VCF-style: chr14-23863381-T-G.
Other names: short protein forms I861L.
Identifiers: ClinVar variation 3400886 (VCV003400886.3).

ClinVar aggregate classification (germline): Uncertain significance. Review status: criteria provided, multiple submitters, no conflicts (2 of 4 stars). 2 submissions from 2 submitters: Uncertain significance (2). Last evaluated 2024-10-28.

Conditions:
Hypertrophic cardiomyopathy 14. Identifiers: MedGen C2750467, MONDO:0013197, OMIM 613251.
Cardiovascular phenotype. Identifiers: MedGen CN230736.

Submissions (2):

Ambry Genetics
Classification: Uncertain significance for Cardiovascular phenotype. Last evaluated: 2024-10-28. Review status: criteria provided, single submitter. Criteria: Ambry Variant Classification Scheme 2023. Collection method: clinical testing. Allele origin: germline.
Comment: The p.I861L variant (also known as c.2581A>C), located in coding exon 19 of the MYH6 gene, results from an A to C substitution at nucleotide position 2581. The isoleucine at codon 861 is replaced by leucine, an amino acid with highly similar properties. This amino acid position is conserved. In addition, this alteration is predicted to be tolerated by in silico analysis. Based on the available evidence, the clinical significance of this variant remains unclear.

Labcorp Genetics (formerly Invitae), Labcorp
Classification: Uncertain significance for Hypertrophic cardiomyopathy 14. Last evaluated: 2024-06-12. Review status: criteria provided, single submitter. Criteria: Invitae Variant Classification Sherloc (09022015). Collection method: clinical testing. Allele origin: germline.
Comment: This sequence change replaces isoleucine, which is neutral and non-polar, with leucine, which is neutral and non-polar, at codon 861 of the MYH6 protein (p.Ile861Leu). This variant is not present in population databases (gnomAD no frequency). This variant has not been reported in the literature in individuals affected with MYH6-related conditions. Advanced modeling of protein sequence and biophysical properties (such as structural, functional, and spatial information, amino acid conservation, physicochemical variation, residue mobility, and thermodynamic stability) performed at Invitae indicates that this missense variant is not expected to disrupt MYH6 protein function with a negative predictive value of 80%. In summary, the available evidence is currently insufficient to determine the role of this variant in disease. Therefore, it has been classified as a Variant of Uncertain Significance.